The following is an entry in ClinVar:

ClinVar aggregate classification (germline): Pathogenic (1 of 4 stars; one submission).

Conditions:
Donnai-Barrow syndrome. Also called: DBS/FOAR SYNDROME; FACIOOCULOACOUSTICORENAL SYNDROME. Identifiers: Orphanet 2143, MedGen C1857277, MONDO:0009104, OMIM 222448.

Submission:

Myriad Genetics, Inc.
Classification: Pathogenic for Donnai-Barrow syndrome. Last evaluated: 2026-03-25. Review status: criteria provided, single submitter. Criteria: Myriad Autosomal Dominant, Autosomal Recessive and X-Linked Classification Criteria (2023). Collection method: clinical testing. Allele origin: unknown.
Comment: NM_004525.2(LRP2):c.399C>A(C133*) is expected to be pathogenic in the context of Donnai-Barrow syndrome. This variant is predicted to lead to an abnormal or absent protein product due to the creation of a premature termination codon in LRP2, a gene where loss-of-function variants are known to be pathogenic. Please note: this variant was assessed in the context of healthy population screening.

NM_004525.3(LRP2):c.399C>A (p.Cys133Ter)

Gene: LRP2 (LDL receptor related protein 2; minus strand). Cytogenetic location: 2q31.1.
Variant type: single nucleotide variant.
Coding change: c.399C>A on transcript NM_004525.3 (MANE Select); coding-DNA position 399, C replaced by A.
Protein change: p.Cys133Ter; replaces cysteine 133 with a stop codon.
Molecular consequence: nonsense.
Genome position (GRCh38, 1-based): chr2:169,307,309, G>T on the plus strand (C>A on the coding strand, the complement: LRP2 is on the minus strand). VCF-style: chr2-169307309-G-T. GRCh37 (hg19) VCF-style: chr2-170163819-G-T.
Other names: short protein forms C133*.
Identifiers: ClinVar variation 5015728 (VCV005015728.1).
Genomic context (GRCh38, chr2:169,307,309, plus strand): 5'-CAAATACAGTGCAAGGACTAAAACAGACTCACGGCAGTCATTCTCATCAGCTCCATCGGG[G>T]CAGTCTCTGACGTGGTCGCACCTGTATTCACTTGGGATACACTGACCATTGGAGCATGTT-3'